The following is an entry in ClinVar:

ClinVar aggregate classification (germline): Uncertain significance (0 of 4 stars; one submission).

Conditions:
SH2B1-related disorder. Also called: SH2B1-related condition.

Allele frequency attached by ClinVar (database versions not stated): TOPMed below 0.00001; ExAC 0.00001; gnomAD 0.00001; gnomAD exomes 0.00001.

Submission:

PreventionGenetics, part of Exact Sciences
Classification: Uncertain significance for SH2B1-related condition. Last evaluated: 2024-08-19. Review status: no assertion criteria provided. Collection method: clinical testing. Allele origin: germline.
Comment: The SH2B1 c.799G>A variant is predicted to result in the amino acid substitution p.Gly267Arg. To our knowledge, this variant has not been reported in the literature. This variant is reported in 0.0055% of alleles in individuals of East Asian descent in gnomAD. At this time, the clinical significance of this variant is uncertain due to the absence of conclusive functional and genetic evidence.

NM_001387430.1(SH2B1):c.799G>A (p.Gly267Arg)

Gene: SH2B1 (SH2B adaptor protein 1; plus strand). Cytogenetic location: 16p11.2.
Variant type: single nucleotide variant.
Coding change: c.799G>A on transcript NM_001387430.1 (MANE Select); coding-DNA position 799, G replaced by A.
Protein change: p.Gly267Arg; replaces glycine 267 with arginine.
Molecular consequence: missense variant. On other transcripts: intron variant (1).
Genome position (GRCh38, 1-based): chr16:28,866,893, G>A. VCF-style: chr16-28866893-G-A. GRCh37 (hg19) VCF-style: chr16-28878214-G-A.
Other names: c.799G>A, p.Gly267Arg (NM_001145795.2, NM_001145796.2, NM_001145797.2 and 4 more transcripts); c.-26-481G>A (NM_001308294.2); short protein forms G267R.
Identifiers: ClinVar variation 2634409 (VCV002634409.2), dbSNP rs752049196, ClinGen allele CA7986005.